The following is an entry in ClinVar:

NM_012123.4(MTO1):c.826-10T>C

Gene: MTO1 (mitochondrial tRNA translation optimization 1; plus strand). Cytogenetic location: 6q13.
Variant type: single nucleotide variant.
Coding change: c.826-10T>C on transcript NM_012123.4 (MANE Select); 10 bases into the intron before coding-DNA position 826, T replaced by C.
Molecular consequence: intron variant.
Genome position (GRCh38, 1-based): chr6:73,479,722, T>C. VCF-style: chr6-73479722-T-C. GRCh37 (hg19) VCF-style: chr6-74189445-T-C.
Other names: c.826-10T>C (NM_133645.3, NM_001123226.2).
Identifiers: ClinVar variation 2146812 (VCV002146812.1), dbSNP rs767383464, ClinGen allele CA3889458.

ClinVar aggregate classification (germline): Uncertain significance (1 of 4 stars; one submission).

Conditions:
Mitochondrial hypertrophic cardiomyopathy with lactic acidosis due to MTO1 deficiency. Also called: Combined oxidative phosphorylation deficiency 10; CARDIOMYOPATHY, INFANTILE HYPERTROPHIC MITOCHONDRIAL, AND LACTIC ACIDOSIS. Identifiers: Orphanet 314637, MedGen C4749921, MONDO:0013865, OMIM 614702.

Allele frequency attached by ClinVar (database versions not stated): gnomAD 0.00001; TOPMed 0.00001; ExAC 0.00002; gnomAD exomes 0.00005.
gnomAD v4.1: 72 of 1,596,408 alleles (0.0045%); highest among the groups gnomAD compares: South Asian, 0.0056%; no homozygotes.

Submission:

Labcorp Genetics (formerly Invitae), Labcorp
Classification: Uncertain significance for Mitochondrial hypertrophic cardiomyopathy with lactic acidosis due to MTO1 deficiency. Last evaluated: 2022-03-25. Review status: criteria provided, single submitter. Criteria: Invitae Variant Classification Sherloc (09022015). Collection method: clinical testing. Allele origin: germline.
Comment: This sequence change falls in intron 4 of the MTO1 gene. It does not directly change the encoded amino acid sequence of the MTO1 protein. This variant is present in population databases (rs767383464, gnomAD 0.003%). This variant has not been reported in the literature in individuals affected with MTO1-related conditions. Algorithms developed to predict the effect of sequence changes on RNA splicing suggest that this variant may disrupt the consensus splice site. In summary, the available evidence is currently insufficient to determine the role of this variant in disease. Therefore, it has been classified as a Variant of Uncertain Significance.